The following is an entry in ClinVar:

NM_001042492.3(NF1):c.731-6_733del

Gene: NF1 (neurofibromin 1; plus strand). Cytogenetic location: 17q11.2.
Variant type: Deletion.
Coding change: c.731-6_733del on transcript NM_001042492.3 (MANE Select); 6 bases into the intron before coding-DNA position 731 through coding-DNA position 733, 9 bases deleted (ATGCAGAAT; older notation c.731-6_733delATGCAGAAT).
Molecular consequence: splice acceptor variant.
Genome position (GRCh38, 1-based): chr17:31,182,502-31,182,510, ATGCAGAAT deleted. VCF-style (leftmost placement, unchanged base first): chr17-31182501-CATGCAGAAT-C. GRCh37 (hg19) VCF-style: chr17-29509519-CATGCAGAAT-C.
Other names: c.731-6_733del (NM_000267.4, NM_001128147.3).
Identifiers: ClinVar variation 1519994 (VCV001519994.6), dbSNP rs2143784739, ClinGen allele CA2573153734.

ClinVar aggregate classification (germline): Pathogenic (1 of 4 stars; one submission).

Conditions:
Neurofibromatosis, type 1 (NF1). Also called: VON RECKLINGHAUSEN DISEASE; Peripheral type neurofibromatosis; NEUROFIBROMATOSIS, TYPE I, SOMATIC; Neurofibromatosis, type I. Identifiers: Orphanet 636, MedGen C0027831, MONDO:0018975, OMIM 162200. Disease mechanism: loss of function.

Submission:

Labcorp Genetics (formerly Invitae), Labcorp
Classification: Pathogenic for Neurofibromatosis, type 1. Last evaluated: 2023-10-22. Review status: criteria provided, single submitter. Criteria: Invitae Variant Classification Sherloc (09022015). Collection method: clinical testing. Allele origin: germline.
Comment: This variant results in the deletion of part of exon 8 (c.731-6_733del) of the NF1 gene. It is expected to disrupt RNA splicing. Variants that disrupt the donor or acceptor splice site typically lead to a loss of protein function (PMID: 16199547), and loss-of-function variants in NF1 are known to be pathogenic (PMID: 10712197, 23913538). This variant is not present in population databases (gnomAD no frequency). This variant has been observed in individual(s) with clinical features of neurofibromatosis type 1 (Invitae). In at least one individual the variant was observed to be de novo. ClinVar contains an entry for this variant (Variation ID: 1519994). For these reasons, this variant has been classified as Pathogenic.

Literature cited by the submitters: PubMed 16199547; PubMed 10712197; PubMed 23913538.